The following is an entry in ClinVar:

NM_201548.5(CERKL):c.294_295del (p.Phe99fs)

Gene: CERKL (CERK like autophagy regulator; minus strand). Cytogenetic location: 2q31.3.
Variant type: Microsatellite.
Coding change: c.294_295del on transcript NM_201548.5 (MANE Select); coding-DNA positions 294 to 295, 2 bases deleted (AT; older notation c.294_295delAT).
Protein change: p.Phe99fs; shifts the reading frame from phenylalanine 99.
Molecular consequence: frameshift variant. On other transcripts: non-coding transcript variant (2).
Genome position (GRCh38, 1-based): chr2:181,604,023-181,604,024, AT deleted on the plus strand (AT on the coding strand, the reverse complement: CERKL is on the minus strand); deleting any 2 consecutive bases within chr2:181,604,023-181,604,026 gives the same sequence; the c. name uses the placement nearest the transcript's 3' end. VCF-style (leftmost placement, unchanged base first): chr2-181604022-AAT-A. GRCh37 (hg19) VCF-style: chr2-182468749-AAT-A.
Other names: c.294_295del, p.Phe99fs (NM_001030311.3, NM_001030312.3, NM_001030313.3 and 1 more transcripts); c.292_293AT[1], p.Phe99Leufs (NM_001030314.1, NM_001030315.1); c.294_295delAT (NM_001030311.2); short protein forms F99fs.
Identifiers: ClinVar variation 2085599 (VCV002085599.7), dbSNP rs2468433779, ClinGen allele CA2577178426.

ClinVar aggregate classification (germline): Pathogenic/Likely pathogenic. Review status: criteria provided, multiple submitters, no conflicts (2 of 4 stars). 4 submissions from 4 submitters: Pathogenic (1); Likely pathogenic (3). Last evaluated 2024-06-10.

Conditions:
Retinitis pigmentosa 26 (RP26). Identifiers: Orphanet 791, MedGen C1842127, MONDO:0012024, OMIM 608380.
CERKL-related disorders.

Submissions (4):

Natera, Inc.
Classification: Likely pathogenic for Retinitis Pigmentosa 26. Last evaluated: 2024-06-10. Review status: criteria provided, single submitter. Criteria: Natera Variant Classification Schema (03/2026). Collection method: clinical testing. Allele origin: germline.
Comment: The c.294_295delAT variant in CERKL is a frameshift variant predicted to shift the reading frame beginning at codon 99 and leads to a stop codon 11 codons downstream. This variant is expected to result in nonsense mediated decay, truncation, or a dysfunctional protein product. This variant is rare in the general population with a frequency below the threshold expected for the associated phenotype(s). Given the available evidence, this variant is classified as Likely Pathogenic.

Baylor Genetics
Classification: Likely pathogenic for Retinitis pigmentosa 26. Last evaluated: 2024-03-05. Review status: criteria provided, single submitter. Criteria: ACMG Guidelines, 2015. Collection method: clinical testing. Allele origin: unknown.

Blueprint Genetics
Classification: Likely pathogenic for CERKL-related disorders. Last evaluated: 2022-10-13. Review status: criteria provided, single submitter. Criteria: ACMG Guidelines, 2015. Collection method: clinical testing. Allele origin: germline. Affected: yes. Observed: 1 variant allele.

Labcorp Genetics (formerly Invitae), Labcorp
Classification: Pathogenic. Last evaluated: 2022-09-25. Review status: criteria provided, single submitter. Criteria: Invitae Variant Classification Sherloc (09022015). Collection method: clinical testing. Allele origin: germline.
Comment: For these reasons, this variant has been classified as Pathogenic. This variant has not been reported in the literature in individuals affected with CERKL-related conditions. This variant is not present in population databases (gnomAD no frequency). This sequence change creates a premature translational stop signal (p.Phe99Leufs*11) in the CERKL gene. It is expected to result in an absent or disrupted protein product. Loss-of-function variants in CERKL are known to be pathogenic (PMID: 14681825, 23591405, 24043777).

Literature cited by the submitters: PubMed 14681825 (cited by Labcorp Genetics (formerly Invitae), Labcorp); PubMed 23591405 (cited by Labcorp Genetics (formerly Invitae), Labcorp); PubMed 24043777 (cited by Labcorp Genetics (formerly Invitae), Labcorp).